The following is an entry in ClinVar:

NM_001348323.3(TRIP12):c.4996C>T (p.Arg1666Cys)

Gene: TRIP12 (thyroid hormone receptor interactor 12; minus strand). Cytogenetic location: 2q36.3.
Variant type: single nucleotide variant.
Coding change: c.4996C>T on transcript NM_001348323.3 (MANE Select); coding-DNA position 4996, C replaced by T.
Protein change: p.Arg1666Cys; replaces arginine 1666 with cysteine.
Molecular consequence: missense variant.
Genome position (GRCh38, 1-based): chr2:229,785,855, G>A on the plus strand (C>T on the coding strand, the complement: TRIP12 is on the minus strand). VCF-style: chr2-229785855-G-A. GRCh37 (hg19) VCF-style: chr2-230650571-G-A.
Other names: c.4915C>T, p.Arg1639Cys (NM_001284214.2, NM_001348315.2); c.4870C>T, p.Arg1624Cys (NM_001284215.2, NM_001348316.2); c.3961C>T, p.Arg1321Cys (NM_001284216.2); c.4855C>T, p.Arg1619Cys (NM_001348317.1, NM_001348318.2); c.4981C>T, p.Arg1661Cys (NM_001348319.1, NM_001348320.2); c.4984C>T, p.Arg1662Cys (NM_001348321.1); c.4996C>T, p.Arg1666Cys (NM_001348322.1, NM_001348324.2, NM_001348325.2 and 2 more transcripts); c.4999C>T, p.Arg1667Cys (NM_001348328.1, NM_001348329.2, NM_001348330.2); and 4 more; short protein forms R1321C, R1591C, R1592C, R1619C, R1624C, R1632C, R1639C, R1640C.
Identifiers: ClinVar variation 3253495 (VCV003253495.2), dbSNP rs773633155.

ClinVar aggregate classification (germline): Uncertain significance (1 of 4 stars; one submission).

Allele frequency attached by ClinVar (database versions not stated): gnomAD exomes below 0.00001.
gnomAD v4.1: 1 of 1,610,356 alleles (0.000062%); highest among the groups gnomAD compares: Non-Finnish European, 0.000085%; no homozygotes.

Submission:

GeneDx
Classification: Uncertain significance. Last evaluated: 2024-09-27. Review status: criteria provided, single submitter. Criteria: GeneDx Variant Classification Process June 2021. Collection method: clinical testing. Allele origin: germline.
Comment: Has not been previously published as pathogenic or benign to our knowledge; Not observed at significant frequency in large population cohorts (gnomAD); In silico analysis supports that this missense variant has a deleterious effect on protein structure/function